The following is an entry in ClinVar:

ClinVar aggregate classification (germline): Uncertain significance (1 of 4 stars; one submission).

Conditions:
Inborn genetic diseases. Identifiers: MedGen C0950123, MeSH D030342.

Submission:

Ambry Genetics
Classification: Uncertain significance for Inborn genetic diseases. Last evaluated: 2025-11-17. Review status: criteria provided, single submitter. Criteria: Ambry Variant Classification Scheme 2023. Collection method: clinical testing. Allele origin: germline.
Comment: The p.Q1186K variant (also known as c.3556C>A), located in coding exon 16 of the MECOM gene, results from a C to A substitution at nucleotide position 3556. The glutamine at codon 1186 is replaced by lysine, an amino acid with similar properties. This amino acid position is conserved. In addition, this alteration is predicted to be tolerated by in silico analysis. Based on the available evidence, the clinical significance of this variant remains unclear.

NM_004991.4(MECOM):c.3556C>A (p.Gln1186Lys)

Gene: MECOM (MDS1 and EVI1 complex locus; minus strand). Cytogenetic location: 3q26.2.
Variant type: single nucleotide variant.
Coding change: c.3556C>A on transcript NM_004991.4 (MANE Select); coding-DNA position 3556, C replaced by A.
Protein change: p.Gln1186Lys; replaces glutamine 1186 with lysine.
Molecular consequence: missense variant.
Genome position (GRCh38, 1-based): chr3:169,089,029, G>T on the plus strand (C>A on the coding strand, the complement: MECOM is on the minus strand). VCF-style: chr3-169089029-G-T. GRCh37 (hg19) VCF-style: chr3-168806817-G-T.
Other names: c.3187C>A, p.Gln1063Lys (NM_001105077.4); c.2992C>A, p.Gln998Lys (NM_001105078.4, NM_001205194.2, NM_001366469.2 and 1 more transcripts); c.2968C>A, p.Gln990Lys (NM_001163999.2, NM_001366470.2); c.2965C>A, p.Gln989Lys (NM_001164000.2, NM_001366471.2, NM_001366472.2); c.3529C>A, p.Gln1177Lys (NM_001366466.2); c.2995C>A, p.Gln999Lys (NM_001366467.2, NM_001366468.2); c.2557C>A, p.Gln853Lys (NM_001366473.2); c.1993C>A, p.Gln665Lys (NM_001366474.2); short protein forms Q853K, Q998K, Q999K, Q1063K, Q1186K, Q665K, Q989K, Q990K.
Identifiers: ClinVar variation 4624699 (VCV004624699.1).